The following is an entry in ClinVar:

NM_002880.4(RAF1):c.855C>T (p.Ser285=)

Gene: RAF1 (Raf-1 proto-oncogene, serine/threonine kinase; minus strand). Cytogenetic location: 3p25.2.
Variant type: single nucleotide variant.
Coding change: c.855C>T on transcript NM_002880.4 (MANE Select); coding-DNA position 855, C replaced by T.
Protein change: p.Ser285=; no amino-acid change (serine 285 retained).
Molecular consequence: synonymous variant. On other transcripts: non-coding transcript variant (3).
Genome position (GRCh38, 1-based): chr3:12,600,395, G>A on the plus strand (C>T on the coding strand, the complement: RAF1 is on the minus strand). VCF-style: chr3-12600395-G-A. GRCh37 (hg19) VCF-style: chr3-12641894-G-A.
Other names: c.915C>T, p.Ser305= (NM_001354689.3); c.855C>T, p.Ser285= (NM_001354690.3); c.612C>T, p.Ser204= (NM_001354691.3, NM_001354692.3); c.756C>T, p.Ser252= (NM_001354693.3); c.672C>T, p.Ser224= (NM_001354694.3); c.513C>T, p.Ser171= (NM_001354695.3).
Identifiers: ClinVar variation 518979 (VCV000518979.17), dbSNP rs763657486, ClinGen allele CA2259659.

ClinVar aggregate classification (germline): Likely benign. Review status: criteria provided, multiple submitters, no conflicts (2 of 4 stars). 4 submissions from 4 submitters: Likely benign (4). Last evaluated 2025-12-29.

Conditions:
Cardiovascular phenotype. Identifiers: MedGen CN230736.
RASopathy. Also called: rasopathies; Noonan spectrum disorder. Identifiers: Orphanet 536391, MedGen C5555857, MONDO:0021060.

Allele frequency attached by ClinVar (database versions not stated): gnomAD 0.00001; ExAC 0.00002; TOPMed 0.00002.
gnomAD v4.1: 49 of 1,614,018 alleles (0.003%); highest among the groups gnomAD compares: Admixed American, 0.0083%; no homozygotes.

Submissions (4):

Labcorp Genetics (formerly Invitae), Labcorp
Classification: Likely benign for RASopathy. Last evaluated: 2025-12-29. Review status: criteria provided, single submitter. Criteria: Invitae Variant Classification Sherloc (09022015). Collection method: clinical testing. Allele origin: germline.

Blueprint Genetics
Classification: Likely benign. Last evaluated: 2024-10-18. Review status: criteria provided, single submitter. Criteria: ACMG Guidelines, 2015. Collection method: clinical testing. Allele origin: germline.

GeneDx
Classification: Likely benign. Last evaluated: 2022-09-21. Review status: criteria provided, single submitter. Criteria: GeneDx Variant Classification Process June 2021. Collection method: clinical testing. Allele origin: germline. Affected: yes.
Comment: See Variant Classification Assertion Criteria.

Ambry Genetics
Classification: Likely benign for Cardiovascular phenotype. Last evaluated: 2017-02-07. Review status: criteria provided, single submitter. Criteria: Ambry Variant Classification Scheme 2023. Collection method: clinical testing. Allele origin: germline.